The following is an entry in ClinVar:

NM_001256071.3(RNF213):c.9410G>A (p.Arg3137His)

Gene: RNF213 (ring finger protein 213; plus strand). Cytogenetic location: 17q25.3.
Variant type: single nucleotide variant.
Coding change: c.9410G>A on transcript NM_001256071.3 (MANE Select); coding-DNA position 9410, G replaced by A.
Protein change: p.Arg3137His; replaces arginine 3137 with histidine.
Molecular consequence: missense variant.
Genome position (GRCh38, 1-based): chr17:80,347,745, G>A. VCF-style: chr17-80347745-G-A. GRCh37 (hg19) VCF-style: chr17-78321545-G-A.
Other names: c.9557G>A, p.Arg3186His (NM_001410195.1, NM_020914.5); short protein forms R3186H, R3137H.
Identifiers: ClinVar variation 3698805 (VCV003698805.2).

ClinVar aggregate classification (germline): Uncertain significance (1 of 4 stars; one submission).

gnomAD v4.1: 1 of 1,614,144 alleles (0.000062%); highest among the groups gnomAD compares: Non-Finnish European, 0.000085%; no homozygotes.

Submission:

Labcorp Genetics (formerly Invitae), Labcorp
Classification: Uncertain significance. Last evaluated: 2024-12-04. Review status: criteria provided, single submitter. Criteria: Invitae Variant Classification Sherloc (09022015). Collection method: clinical testing. Allele origin: germline.
Comment: This sequence change replaces arginine, which is basic and polar, with histidine, which is basic and polar, at codon 3137 of the RNF213 protein (p.Arg3137His). This variant is not present in population databases (gnomAD no frequency). This variant has not been reported in the literature in individuals affected with RNF213-related conditions. Invitae Evidence Modeling of protein sequence and biophysical properties (such as structural, functional, and spatial information, amino acid conservation, physicochemical variation, residue mobility, and thermodynamic stability) indicates that this missense variant is not expected to disrupt RNF213 protein function with a negative predictive value of 95%. In summary, the available evidence is currently insufficient to determine the role of this variant in disease. Therefore, it has been classified as a Variant of Uncertain Significance.